The following is an entry in ClinVar:

NM_024753.5(TTC21B):c.3395C>T (p.Ala1132Val)

Gene: TTC21B (tetratricopeptide repeat domain 21B; minus strand). Cytogenetic location: 2q24.3.
Variant type: single nucleotide variant.
Coding change: c.3395C>T on transcript NM_024753.5 (MANE Select); coding-DNA position 3395, C replaced by T.
Protein change: p.Ala1132Val; replaces alanine 1132 with valine.
Molecular consequence: missense variant.
Genome position (GRCh38, 1-based): chr2:165,888,343, G>A on the plus strand (C>T on the coding strand, the complement: TTC21B is on the minus strand). VCF-style: chr2-165888343-G-A. GRCh37 (hg19) VCF-style: chr2-166744853-G-A.
Other names: short protein forms A1132V.
Identifiers: ClinVar variation 4527506 (VCV004527506.1).

ClinVar aggregate classification (germline): Uncertain significance (1 of 4 stars; one submission).

gnomAD v4.1: 1 of 1,613,824 alleles (0.000062%); highest among the groups gnomAD compares: Non-Finnish European, 0.000085%; no homozygotes.

Submission:

GeneDx
Classification: Uncertain significance. Last evaluated: 2025-05-05. Review status: criteria provided, single submitter. Criteria: GeneDx Variant Classification Process June 2021. Collection method: clinical testing. Allele origin: germline. Affected: yes.
Comment: Not observed at significant frequency in large population cohorts (gnomAD); In silico analysis supports that this missense variant has a deleterious effect on protein structure/function; Has not been previously published as pathogenic or benign to our knowledge